The following is an entry in ClinVar:

ClinVar aggregate classification (germline): Uncertain significance. Review status: criteria provided, multiple submitters, no conflicts (2 of 4 stars). 2 submissions from 2 submitters: Uncertain significance (2). Last evaluated 2025-09-01.

Conditions:
Brain small vessel disease 2A, autosomal dominant. Also called: Porencephaly 2. Identifiers: Orphanet 2940, Orphanet 99810, MedGen C3280970, MONDO:0013773, OMIM 614483.

Allele frequency attached by ClinVar (database versions not stated): ExAC 0.00003; gnomAD exomes 0.00003; gnomAD 0.00004 and 0.00005; TOPMed 0.00005.

Submissions (2):

Labcorp Genetics (formerly Invitae), Labcorp
Classification: Uncertain significance. Last evaluated: 2025-09-01. Review status: criteria provided, single submitter. Criteria: Invitae Variant Classification Sherloc (09022015). Collection method: clinical testing. Allele origin: germline.
Comment: This sequence change replaces arginine, which is basic and polar, with cysteine, which is neutral and slightly polar, at codon 861 of the COL4A2 protein (p.Arg861Cys). This variant is present in population databases (rs751658527, gnomAD 0.007%). This missense change has been observed in individual(s) with clinical features of COL4A2-related conditions (PMID: 31719132). ClinVar contains an entry for this variant (Variation ID: 1285411). Invitae Evidence Modeling of protein sequence and biophysical properties (such as structural, functional, and spatial information, amino acid conservation, physicochemical variation, residue mobility, and thermodynamic stability) indicates that this missense variant is not expected to disrupt COL4A2 protein function with a negative predictive value of 95%. In summary, the available evidence is currently insufficient to determine the role of this variant in disease. Therefore, it has been classified as a Variant of Uncertain Significance.

Institute of Human Genetics, University of Leipzig Medical Center
Classification: Uncertain significance for Brain small vessel disease 2A, autosomal dominant. Last evaluated: 2020-10-14. Review status: criteria provided, single submitter. Criteria: ACMG Guidelines, 2015. Collection method: clinical testing. Allele origin: unknown. Affected: yes.

Literature cited by the submitters: PubMed 31719132 (cited by Labcorp Genetics (formerly Invitae), Labcorp).

NM_001846.4(COL4A2):c.2581C>T (p.Arg861Cys)

Gene: COL4A2 (collagen type IV alpha 2 chain; plus strand). Cytogenetic location: 13q34.
Variant type: single nucleotide variant.
Coding change: c.2581C>T on transcript NM_001846.4 (MANE Select); coding-DNA position 2581, C replaced by T.
Protein change: p.Arg861Cys; replaces arginine 861 with cysteine.
Molecular consequence: missense variant.
Genome position (GRCh38, 1-based): chr13:110,478,158, C>T. VCF-style: chr13-110478158-C-T. GRCh37 (hg19) VCF-style: chr13-111130505-C-T.
Other names: short protein forms R861C.
Identifiers: ClinVar variation 1285411 (VCV001285411.4), dbSNP rs751658527, ClinGen allele CA7049942.